The following is an entry in ClinVar:

NM_005458.8(GABBR2):c.2411A>C (p.Glu804Ala)

Gene: GABBR2 (gamma-aminobutyric acid type B receptor subunit 2; minus strand). Cytogenetic location: 9q22.33.
Variant type: single nucleotide variant.
Coding change: c.2411A>C on transcript NM_005458.8 (MANE Select); coding-DNA position 2411, A replaced by C.
Protein change: p.Glu804Ala; replaces glutamic acid 804 with alanine.
Molecular consequence: missense variant.
Genome position (GRCh38, 1-based): chr9:98,303,242, T>G on the plus strand (A>C on the coding strand, the complement: GABBR2 is on the minus strand). VCF-style: chr9-98303242-T-G. GRCh37 (hg19) VCF-style: chr9-101065524-T-G.
Other names: short protein forms E804A.
Identifiers: ClinVar variation 2771459 (VCV002771459.3), dbSNP rs764715495, ClinGen allele CA374197000.

ClinVar aggregate classification (germline): Uncertain significance (1 of 4 stars; one submission).

Conditions:
Epileptic encephalopathy. Identifiers: MedGen C0543888, HP:0200134.

Submission:

Labcorp Genetics (formerly Invitae), Labcorp
Classification: Uncertain significance for Epileptic encephalopathy. Last evaluated: 2025-08-03. Review status: criteria provided, single submitter. Criteria: Invitae Variant Classification Sherloc (09022015). Collection method: clinical testing. Allele origin: germline.
Comment: This sequence change replaces glutamic acid, which is acidic and polar, with alanine, which is neutral and non-polar, at codon 804 of the GABBR2 protein (p.Glu804Ala). This variant is not present in population databases (gnomAD no frequency). This variant has not been reported in the literature in individuals affected with GABBR2-related conditions. ClinVar contains an entry for this variant (Variation ID: 2771459). An algorithm developed to predict the effect of missense changes on protein structure and function (PolyPhen-2) suggests that this variant is likely to be tolerated. Algorithms developed to predict the effect of sequence changes on RNA splicing suggest that this variant may disrupt the consensus splice site. In summary, the available evidence is currently insufficient to determine the role of this variant in disease. Therefore, it has been classified as a Variant of Uncertain Significance.